The following is an entry in ClinVar:

ClinVar aggregate classification (germline): Uncertain significance. Review status: criteria provided, multiple submitters, no conflicts (2 of 4 stars). 2 submissions from 2 submitters: Uncertain significance (2). Last evaluated 2025-06-10.

Allele frequency attached by ClinVar (database versions not stated): gnomAD exomes below 0.00001; TOPMed below 0.00001; ExAC 0.00002.
gnomAD v4.1: 6 of 1,613,760 alleles (0.00037%); highest among the groups gnomAD compares: East Asian, 0.0045%; no homozygotes.

Submissions (2):

Ambry Genetics
Classification: Uncertain significance. Last evaluated: 2025-06-10. Review status: criteria provided, single submitter. Criteria: Ambry Variant Classification Scheme 2023. Collection method: clinical testing. Allele origin: germline.

Labcorp Genetics (formerly Invitae), Labcorp
Classification: Uncertain significance. Last evaluated: 2022-10-24. Review status: criteria provided, single submitter. Criteria: Invitae Variant Classification Sherloc (09022015). Collection method: clinical testing. Allele origin: germline.
Comment: In summary, the available evidence is currently insufficient to determine the role of this variant in disease. Therefore, it has been classified as a Variant of Uncertain Significance. Advanced modeling of protein sequence and biophysical properties (such as structural, functional, and spatial information, amino acid conservation, physicochemical variation, residue mobility, and thermodynamic stability) performed at Invitae indicates that this missense variant is not expected to disrupt EXOSC2 protein function. This variant has not been reported in the literature in individuals affected with EXOSC2-related conditions. This variant is present in population databases (rs768080911, gnomAD 0.006%). This sequence change replaces arginine, which is basic and polar, with glutamine, which is neutral and polar, at codon 238 of the EXOSC2 protein (p.Arg238Gln).

NM_014285.7(EXOSC2):c.713G>A (p.Arg238Gln)

Gene: EXOSC2 (exosome component 2; plus strand). Cytogenetic location: 9q34.12.
Variant type: single nucleotide variant.
Coding change: c.713G>A on transcript NM_014285.7 (MANE Select); coding-DNA position 713, G replaced by A.
Protein change: p.Arg238Gln; replaces arginine 238 with glutamine.
Molecular consequence: missense variant. On other transcripts: non-coding transcript variant (1).
Genome position (GRCh38, 1-based): chr9:130,703,093, G>A. VCF-style: chr9-130703093-G-A. GRCh37 (hg19) VCF-style: chr9-133578480-G-A.
Other names: c.635G>A, p.Arg212Gln (NM_001282708.1); c.623G>A, p.Arg208Gln (NM_001282709.1); c.713G>A (NM_014285.5); short protein forms R238Q, R208Q, R212Q.
Identifiers: ClinVar variation 2079276 (VCV002079276.5), dbSNP rs768080911, ClinGen allele CA5284967.